The following is an entry in ClinVar:

NM_030650.3(LNPK):c.707-1428dup

Gene: LNPK (lunapark, ER junction formation factor; minus strand). Cytogenetic location: 2q31.1.
Variant type: Duplication.
Coding change: c.707-1428dup on transcript NM_030650.3 (MANE Select); 1428 bases into the intron before coding-DNA position 707, one base duplicated (T; older notation c.707-1428dupT).
Molecular consequence: intron variant.
Genome position (GRCh38, 1-based): chr2:175,941,085, A duplicated on the plus strand (T on the coding strand, the reverse complement: LNPK is on the minus strand); the first of 9 consecutive A bases (chr2:175,941,085-175,941,093); duplicating any one gives the same sequence. VCF-style (leftmost placement, unchanged base first): chr2-175941084-C-CA. GRCh37 (hg19) VCF-style: chr2-176805812-C-CA.
Other names: c.338-1428dup (NM_001305011.2); c.713-1428dup (NM_001305010.1); c.707-5dup (NM_001305009.1); c.905-1428dup (NM_001305008.1); c.707-5dupT (NM_001305009.1).
Identifiers: ClinVar variation 3056562 (VCV003056562.2), dbSNP rs544134783, ClinGen allele CA1975921.

ClinVar aggregate classification (germline): Likely benign (0 of 4 stars; one submission).

Conditions:
LNPK-related disorder. Also called: LNPK-related condition.

Submission:

PreventionGenetics, part of Exact Sciences
Classification: Likely benign for LNPK-related condition. Last evaluated: 2019-03-22. Review status: no assertion criteria provided. Collection method: clinical testing. Allele origin: germline.
Comment: This variant is classified as likely benign based on ACMG/AMP sequence variant interpretation guidelines (Richards et al. 2015 PMID: 25741868, with internal and published modifications).